The following is an entry in ClinVar:

NM_000257.4(MYH7):c.4066G>A (p.Glu1356Lys)

Gene: MYH7 (myosin heavy chain 7; minus strand). Cytogenetic location: 14q11.2.
Variant type: single nucleotide variant.
Coding change: c.4066G>A on transcript NM_000257.4 (MANE Select); coding-DNA position 4066, G replaced by A.
Protein change: p.Glu1356Lys; replaces glutamic acid 1356 with lysine.
Molecular consequence: missense variant.
Genome position (GRCh38, 1-based): chr14:23,418,313, C>T on the plus strand (G>A on the coding strand, the complement: MYH7 is on the minus strand). VCF-style: chr14-23418313-C-T. GRCh37 (hg19) VCF-style: chr14-23887522-C-T.
Other names: NM_000257.3(MYH7):c.4066G>A; NM_000257.4(MYH7):c.4066G>A; short protein forms E1356K.
Identifiers: ClinVar variation 164294 (VCV000164294.42), dbSNP rs727503246, ClinGen allele CA014400.

ClinVar aggregate classification (germline): Pathogenic. Review status: reviewed by expert panel (3 of 4 stars). 14 submissions from 14 submitters: Pathogenic (1). 13 of the submissions do not count toward it. Last evaluated 2021-11-30.

Conditions:
Cardiovascular phenotype. Identifiers: MedGen CN230736.
Dilated cardiomyopathy 1S (CMD1S). Identifiers: Orphanet 154, Orphanet 54260, MedGen C1834481, MONDO:0013262, OMIM 613426.
Hypertrophic cardiomyopathy 1 (CMH1). Also called: Familial hypertrophic cardiomyopathy 1; MYH7-Related Familial Hypertrophic Cardiomyopathy. Identifiers: MedGen C3495498, MONDO:0008647, OMIM 192600.
Hypertrophic cardiomyopathy. Also called: HYPERTROPHIC MYOCARDIOPATHY. Identifiers: Orphanet 217569, MedGen C0007194, MeSH D002312, MONDO:0005045, HP:0001639.
MYH7-related disorder. Also called: MYH7-related condition; MYH7-related disease; MYH7-related disorders.
Cardiomyopathy (CMYO). Also called: Cardiomyopathies. Identifiers: Orphanet 167848, MedGen C0878544, MONDO:0004994, HP:0001638. Inheritance: Various modes of inheritance.

Allele frequency attached by ClinVar (database versions not stated): gnomAD exomes below 0.00001; gnomAD 0.00001; TOPMed 0.00001.
gnomAD v4.1: 4 of 1,613,578 alleles (0.00025%); highest among the groups gnomAD compares: Non-Finnish European, 0.00034%; no homozygotes.

Submissions 1 to 8 of 14:

ClinGen Cardiomyopathy Variant Curation Expert Panel
Classification: Pathogenic for Hypertrophic cardiomyopathy. Last evaluated: 2021-11-30. Review status: reviewed by expert panel. Criteria: ClinGen CMP ACMG Specifications v1. Collection method: curation. Allele origin: germline. Inheritance: Autosomal dominant inheritance.
Comment: The NM_000257.4(MYH7):c.4066G>A (p.Glu1356Lys) variant has been identified in at least 40 individuals with HCM, including 1 with features of RCM (PS4; Brito 2005 PMID: 16335287; Van Driest 2004 PMID: 15358028; Perrot 2005 PMID: 15856146; Theis 2009 PMID: 19808356; Brito 2012 PMID: 22857948; Zou 2013 PMID: 23283745; Lopes 2013 PMID: 23396983; Núñez 2013 PMID: 23782526; Captur 2014 PMID: 24704860; Homburger 2016 PMID: 27247418; Walsh 2017 PMID: 27532257; Mademont-Soler 2017 PMID: 28771489; Lu 2018 PMID: 30165862; Ambry pers. comm.; GeneDx pers. comm.; Invitae pers. comm.; LMM pers. comm.; OMGL pers. comm.). This variant segregates with HCM in at least 10 relatives from 5 families (PP1_Strong; LMM pers. comm.; OMGL pers. comm.; Stanford Inherited Heart Center pers. comm.). This variant was also reported to segregate with disease in a family with HCM, although details were not provided (Brito 2012 PMID: 22857948). This variant was absent from large population studies (PM2; gnomAD v2.1.1). In vitro functional studies provide some evidence that this variant alters protein function; however, this data is currently insufficient to establish functional impact and apply PS3 (Armel 2010 PMID: 19913502; Wolny 2013 PMID: 24047955). Computational prediction tools and conservation analysis suggest that this variant may impact the protein (PP3). In summary, this variant meets criteria to be classified as pathogenic for hypertrophic cardiomyopathy in an autosomal dominant manner. MYH7-specific ACMG/AMP criteria applied (Kelly 2018 PMID:29300372): PS4, PP1_Strong, PM2, PP3.

Labcorp Genetics (formerly Invitae), Labcorp
Classification: Pathogenic for Hypertrophic cardiomyopathy. Last evaluated: 2025-12-23. Review status: criteria provided, single submitter. Criteria: Invitae Variant Classification Sherloc (09022015). Collection method: clinical testing. Allele origin: germline. Not counted in ClinVar's aggregate classification.
Comment: This sequence change replaces glutamic acid, which is acidic and polar, with lysine, which is basic and polar, at codon 1356 of the MYH7 protein (p.Glu1356Lys). This variant is not present in population databases (gnomAD no frequency). This missense change has been observed in individuals with hypertrophic cardiomyopathy (PMID: 15358028, 15856146, 19913502, 20800588, 22857948). ClinVar contains an entry for this variant (Variation ID: 164294). Invitae Evidence Modeling of protein sequence and biophysical properties (such as structural, functional, and spatial information, amino acid conservation, physicochemical variation, residue mobility, and thermodynamic stability) indicates that this missense variant is expected to disrupt MYH7 protein function with a positive predictive value of 95%. Experimental studies have shown that this missense change affects MYH7 function (PMID: 24047955). For these reasons, this variant has been classified as Pathogenic.

3billion
Classification: Pathogenic for Hypertrophic cardiomyopathy 1. Last evaluated: 2025-12-09. Review status: criteria provided, single submitter. Criteria: ACMG Guidelines, 2015. Collection method: clinical testing. Allele origin: germline. Affected: yes. Not counted in ClinVar's aggregate classification.
Comment: The variant is observed at an extremely low frequency in the gnomAD v4.1.0 dataset (total allele frequency: <0.001%). Predicted Consequence/Location: Missense variant In silico tool predictions suggest damaging effect of the variant on gene or gene product [REVEL: 0.85 (>=0.6, sensitivity 0.68 and specificity 0.92); 3Cnet: 0.80 (> 0.75, sensitivity 0.96 and precision 0.92)]. The same nucleotide change resulting in the same amino acid change has been previously reported as pathogenic/likely pathogenic with strong evidence (ClinVar ID: VCV000164294 /PMID: 15358028 /3billion dataset). The variant has been observed in multiple (>3) similarly affected unrelated individuals (PMID: 15856146, 19808356, 22857948, 23396983, 24704860, 27532257, 30297972). The variant has been reported to co-segregate with the disease in at least 5 similarly affected relatives/individuals in the same family or similarly affected unrelated families (PMID: 30297972). Therefore, this variant is classified as Pathogenic according to the recommendation of ACMG/AMP guideline.

GeneDx
Classification: Pathogenic. Last evaluated: 2025-10-30. Review status: criteria provided, single submitter. Criteria: GeneDx Variant Classification Process June 2021. Collection method: clinical testing. Allele origin: germline. Affected: yes. Not counted in ClinVar's aggregate classification.
Comment: In vivo studies suggested this variant may lead to reduced sarcomere incorporation of myosin, but adverse effects on muscle contraction were not observed (PMID: 24047955); In vitro functional analysis demonstrated decreased thermal stability and decreased ability to form filaments, though the filaments that did form were indistinguishable from wild-type and contraction was not significantly affected (PMID: 19913502); Not observed at significant frequency in large population cohorts (gnomAD); In silico analysis supports that this missense variant has a deleterious effect on protein structure/function; This variant is associated with the following publications: (PMID: 25961035, 15856146, 15358028, 23782526, 32894683, 28687478, 25125180, 23396983, 25649125, 26688388, 19808356, 23074333, 22857948, 24704860, 27532257, 27247418, 29300372, 23283745, 20800588, 25351510, 28408708, 28771489, 30165862, 31737537, 31199839, 32344918, 16335287, 34352619, 34428338, 35050212, 33658040, 32686758, 28615295, 33407484, 30297972, 36264615, 37652022, 36243179, 35653365, 28193612, 34542152, 36291626, 19913502, 24047955, 39237976, 39411402, 39020067, 37728764, 38456273)

North West Genomic Laboratory Hub, Manchester University NHS Foundation Trust
Classification: Likely pathogenic for Hypertrophic cardiomyopathy. Last evaluated: 2025-08-07. Review status: criteria provided, single submitter. Criteria: ACGS Best Practice Guidelines for Variant Classification in Rare Disease 2024. Collection method: clinical testing. Allele origin: germline. Affected: yes. Not counted in ClinVar's aggregate classification.
Comment: PS4_Str PP1_Str PP3_Supp

Women's Health and Genetics/Laboratory Corporation of America, LabCorp
Classification: Pathogenic for Cardiomyopathy. Last evaluated: 2025-06-30. Review status: criteria provided, single submitter. Criteria: LabCorp Variant Classification Summary - May 2015. Collection method: clinical testing. Allele origin: germline. Not counted in ClinVar's aggregate classification.
Comment: Variant summary: MYH7 c.4066G>A (p.Glu1356Lys) results in a conservative amino acid change in the encoded protein sequence. Algorithms developed to predict the effect of missense changes on protein structure and function are either unavailable or do not agree on the potential impact of this missense change. The variant was absent in 251410 control chromosomes. c.4066G>A has been observed in multiple individuals affected with Cardiomyopathy (exmaple, Brito_2012, Ho_MYH7_2018, Kim_2024). These data indicate that the variant is very likely to be associated with disease. At least one publication reports experimental evidence evaluating an impact on protein function. The most pronounced variant effect results in about 50% alpha-helical content of WT in Cardiomyocytes (Wolny_2013). The following publications have been ascertained in the context of this evaluation (PMID: 22857948, 30297972, 39237976, 24047955). ClinVar contains an entry for this variant (Variation ID: 164294). Based on the evidence outlined above, the variant was classified as pathogenic.

Institute of Immunology and Genetics Kaiserslautern
Classification: Pathogenic for Hypertrophic cardiomyopathy 1. Last evaluated: 2024-11-07. Review status: criteria provided, single submitter. Criteria: ACMG Guidelines, 2015. Collection method: clinical testing. Allele origin: germline. Affected: yes. Not counted in ClinVar's aggregate classification.
Comment: ACMG Criteria: PS3, PP1_M, PP5_M, PM2_P, PP3; Variant was found in heterozygous state

Kariminejad - Najmabadi Pathology & Genetics Center
Classification: Pathogenic for Dilated cardiomyopathy 1S; Hypertrophic cardiomyopathy 1. Last evaluated: 2023-11-11. Review status: criteria provided, single submitter. Criteria: ACMG Guidelines, 2015. Collection method: clinical testing. Allele origin: germline. Inheritance: Autosomal dominant inheritance. Affected: yes. Not counted in ClinVar's aggregate classification.
Comment: PM2_Moderate,PP3_Strong,PM1_Moderate,PP2_Supporting,PP5_Strong